The following is an entry in ClinVar:

ClinVar aggregate classification (germline): Pathogenic (1 of 4 stars; one submission).

Conditions:
Duchenne muscular dystrophy (DMD). Also called: Duchenne Muscular Dystrophy (DMD); MUSCULAR DYSTROPHY, PSEUDOHYPERTROPHIC PROGRESSIVE, DUCHENNE TYPE. Identifiers: Orphanet 98896, MedGen C0013264, MONDO:0010679, OMIM 310200.

Submission:

Labcorp Genetics (formerly Invitae), Labcorp
Classification: Pathogenic for Duchenne muscular dystrophy. Last evaluated: 2024-11-27. Review status: criteria provided, single submitter. Criteria: Invitae Variant Classification Sherloc (09022015). Collection method: clinical testing. Allele origin: germline.
Comment: This sequence change creates a premature translational stop signal (p.Gln442Alafs*7) in the DMD gene. It is expected to result in an absent or disrupted protein product. Loss-of-function variants in DMD are known to be pathogenic (PMID: 16770791, 25007885). This variant is not present in population databases (gnomAD no frequency). This variant has not been reported in the literature in individuals affected with DMD-related conditions. For these reasons, this variant has been classified as Pathogenic.

Literature cited by the submitters: PubMed 16770791; PubMed 25007885.

NM_004006.3(DMD):c.1324_1327del (p.Gln442fs)

Gene: DMD (dystrophin; minus strand). Cytogenetic location: Xp21.1.
Variant type: Deletion.
Coding change: c.1324_1327del on transcript NM_004006.3 (MANE Select); coding-DNA positions 1324 to 1327, 4 bases deleted (CAAA; older notation c.1324_1327delCAAA).
Protein change: p.Gln442fs; shifts the reading frame from glutamine 442.
Molecular consequence: frameshift variant.
Genome position (GRCh38, 1-based): chrX:32,644,136-32,644,139, TTTG deleted on the plus strand (CAAA on the coding strand, the reverse complement: DMD is on the minus strand); deleting any 4 consecutive bases within chrX:32,644,136-32,644,142 gives the same sequence; the c. name uses the placement nearest the transcript's 3' end. VCF-style (leftmost placement, unchanged base first): chrX-32644135-CTTTG-C. GRCh37 (hg19) VCF-style: chrX-32662252-CTTTG-C.
Other names: c.1300_1303del, p.Gln434fs (NM_000109.4); c.1312_1315del, p.Gln438fs (NM_004009.3); c.955_958del, p.Gln319fs (NM_004010.3); short protein forms Q319fs, Q438fs, Q434fs, Q442fs.
Identifiers: ClinVar variation 3725444 (VCV003725444.2).